The following is an entry in ClinVar:

NM_000179.3(MSH6):c.3473G>T (p.Cys1158Phe)

Gene: MSH6 (mutS homolog 6; plus strand). Cytogenetic location: 2p16.3.
Variant type: single nucleotide variant.
Coding change: c.3473G>T on transcript NM_000179.3 (MANE Select); coding-DNA position 3473, G replaced by T.
Protein change: p.Cys1158Phe; replaces cysteine 1158 with phenylalanine.
Molecular consequence: missense variant.
Genome position (GRCh38, 1-based): chr2:47,804,944, G>T. VCF-style: chr2-47804944-G-T. GRCh37 (hg19) VCF-style: chr2-48032083-G-T.
Other names: c.3083G>T, p.Cys1028Phe (NM_001281492.2); c.2567G>T, p.Cys856Phe (NM_001281493.2, NM_001281494.2, NM_001406811.1 and 6 more transcripts); c.3569G>T, p.Cys1190Phe (NM_001406795.1, NM_001406802.1); c.3473G>T, p.Cys1158Phe (NM_001406796.1, NM_001406800.1, NM_001406808.1 and 1 more transcripts); c.3176G>T, p.Cys1059Phe (NM_001406797.1, NM_001406801.1, NM_001406805.1 and 10 more transcripts); c.3299G>T, p.Cys1100Phe (NM_001406798.1); c.2948G>T, p.Cys983Phe (NM_001406799.1, NM_001406806.1, NM_001406807.1); c.2609G>T, p.Cys870Phe (NM_001406803.1); and 7 more; short protein forms C1160F, C856F, C85F, C1028F, C107F, C1158F, C1100F, C1132F.
Identifiers: ClinVar variation 1731760 (VCV001731760.2), dbSNP rs879040298, ClinGen allele CA46716998.

ClinVar aggregate classification (germline): Uncertain significance (1 of 4 stars; one submission).

Conditions:
Hereditary cancer-predisposing syndrome. Also called: Neoplastic Syndromes, Hereditary; Tumor predisposition; Hereditary Cancer Syndrome; Hereditary neoplastic syndrome. Identifiers: Orphanet 140162, MedGen C0027672, MeSH D009386, MONDO:0015356.

Allele frequency attached by ClinVar (database versions not stated): gnomAD exomes below 0.00001.
gnomAD v4.1: 1 of 1,614,148 alleles (0.000062%); highest among the groups gnomAD compares: South Asian, 0.0011%; no homozygotes.

Submission:

Ambry Genetics
Classification: Uncertain significance for Hereditary cancer-predisposing syndrome. Last evaluated: 2020-02-28. Review status: criteria provided, single submitter. Criteria: Ambry Variant Classification Scheme 2023. Collection method: clinical testing. Allele origin: germline.
Comment: The p.C1158F variant (also known as c.3473G>T), located in coding exon 6 of the MSH6 gene, results from a G to T substitution at nucleotide position 3473. The cysteine at codon 1158 is replaced by phenylalanine, an amino acid with highly dissimilar properties. This amino acid position is highly conserved in available vertebrate species. In addition, this alteration is predicted to be deleterious by in silico analysis. Since supporting evidence is limited at this time, the clinical significance of this alteration remains unclear.